The following is an entry in ClinVar:

NM_021942.6(TRAPPC11):c.2651C>T (p.Thr884Ile)

Gene: TRAPPC11 (trafficking protein particle complex subunit 11; plus strand). Cytogenetic location: 4q35.1.
Variant type: single nucleotide variant.
Coding change: c.2651C>T on transcript NM_021942.6 (MANE Select); coding-DNA position 2651, C replaced by T.
Protein change: p.Thr884Ile; replaces threonine 884 with isoleucine.
Molecular consequence: missense variant.
Genome position (GRCh38, 1-based): chr4:183,697,525, C>T. VCF-style: chr4-183697525-C-T. GRCh37 (hg19) VCF-style: chr4-184618678-C-T.
Other names: c.2651C>T, p.Thr884Ile (NM_199053.3); c.2651C>T (NM_021942.4); short protein forms T884I.
Identifiers: ClinVar variation 858166 (VCV000858166.8), dbSNP rs373484248, ClinGen allele CA3152267.

ClinVar aggregate classification (germline): Uncertain significance. Review status: criteria provided, multiple submitters, no conflicts (2 of 4 stars). 3 submissions from 3 submitters: Uncertain significance (3). Last evaluated 2025-08-29.

Conditions:
Autosomal recessive limb-girdle muscular dystrophy type R18 (LGMDR18). Also called: MUSCULAR DYSTROPHY, LIMB-GIRDLE, AUTOSOMAL RECESSIVE 18; Autosomal recessive limb-girdle muscular dystrophy type 2S; Limb-girdle muscular dystrophy, type 2S. Identifiers: Orphanet 369840, MedGen C4517996, MONDO:0014144, OMIM 615356.
Inborn genetic diseases. Identifiers: MedGen C0950123, MeSH D030342.

Allele frequency attached by ClinVar (database versions not stated): ESP Exome Variant Server 0.00008; TOPMed 0.00008; 1000 Genomes Project 0.00040; 1000 Genomes Project 30x 0.00047; gnomAD exomes 0.00001; ExAC 0.00002; gnomAD 0.00006 and 0.00007.
gnomAD v4.1: 22 of 1,602,098 alleles (0.0014%); highest among the groups gnomAD compares: Middle Eastern, 0.033%; no homozygotes.

Submissions (3):

Ambry Genetics
Classification: Uncertain significance for Inborn genetic diseases. Last evaluated: 2025-08-29. Review status: criteria provided, single submitter. Criteria: Ambry Variant Classification Scheme 2023. Collection method: clinical testing. Allele origin: germline.

Revvity Omics, Revvity
Classification: Uncertain significance for Autosomal recessive limb-girdle muscular dystrophy type R18. Last evaluated: 2022-08-18. Review status: criteria provided, single submitter. Criteria: ACMG Guidelines, 2015. Collection method: clinical testing. Allele origin: germline.

Labcorp Genetics (formerly Invitae), Labcorp
Classification: Uncertain significance for Autosomal recessive limb-girdle muscular dystrophy type R18. Last evaluated: 2022-03-18. Review status: criteria provided, single submitter. Criteria: Invitae Variant Classification Sherloc (09022015). Collection method: clinical testing. Allele origin: germline.
Comment: This sequence change replaces threonine, which is neutral and polar, with isoleucine, which is neutral and non-polar, at codon 884 of the TRAPPC11 protein (p.Thr884Ile). This variant is present in population databases (rs373484248, gnomAD 0.02%). This variant has not been reported in the literature in individuals affected with TRAPPC11-related conditions. ClinVar contains an entry for this variant (Variation ID: 858166). Algorithms developed to predict the effect of missense changes on protein structure and function are either unavailable or do not agree on the potential impact of this missense change (SIFT: "Tolerated"; PolyPhen-2: "Probably Damaging"; Align-GVGD: "Class C0"). In summary, the available evidence is currently insufficient to determine the role of this variant in disease. Therefore, it has been classified as a Variant of Uncertain Significance.